The following is an entry in ClinVar:

NM_058216.3(RAD51C):c.296T>C (p.Phe99Ser)

Gene: RAD51C (RAD51 paralog C; plus strand). Cytogenetic location: 17q22.
Variant type: single nucleotide variant.
Coding change: c.296T>C on transcript NM_058216.3 (MANE Select); coding-DNA position 296, T replaced by C.
Protein change: p.Phe99Ser; replaces phenylalanine 99 with serine.
Molecular consequence: missense variant. On other transcripts: non-coding transcript variant (2).
Genome position (GRCh38, 1-based): chr17:58,695,081, T>C. VCF-style: chr17-58695081-T-C. GRCh37 (hg19) VCF-style: chr17-56772442-T-C.
Other names: c.296T>C, p.Phe99Ser (NM_002876.4); short protein forms F99S.
Identifiers: ClinVar variation 3429691 (VCV003429691.1).

ClinVar aggregate classification (germline): Uncertain significance (1 of 4 stars; one submission).

Conditions:
Hereditary cancer-predisposing syndrome. Also called: Neoplastic Syndromes, Hereditary; Tumor predisposition; Hereditary Cancer Syndrome; Hereditary neoplastic syndrome. Identifiers: Orphanet 140162, MedGen C0027672, MeSH D009386, MONDO:0015356.

gnomAD v4.1: 1 of 1,614,126 alleles (0.000062%); highest among the groups gnomAD compares: African/African-American, 0.0013%; no homozygotes.

Submission:

Ambry Genetics
Classification: Uncertain significance for Hereditary cancer-predisposing syndrome. Last evaluated: 2024-09-23. Review status: criteria provided, single submitter. Criteria: Ambry Variant Classification Scheme 2023. Collection method: clinical testing. Allele origin: germline.
Comment: The p.F99S variant (also known as c.296T>C), located in coding exon 2 of the RAD51C gene, results from a T to C substitution at nucleotide position 296. The phenylalanine at codon 99 is replaced by serine, an amino acid with highly dissimilar properties. This amino acid position is conserved. In addition, this alteration is predicted to be tolerated by in silico analysis. Based on the available evidence, the clinical significance of this variant remains unclear.